The following is an entry in ClinVar:

ClinVar aggregate classification (germline): Uncertain significance (1 of 4 stars; one submission).

Conditions:
Myofibrillar myopathy 5. Also called: Filaminopathy (type); FILAMINOPATHY, AUTOSOMAL DOMINANT. Identifiers: Orphanet 171445, MedGen C1836050, MONDO:0012289, OMIM 609524.
Distal myopathy with posterior leg and anterior hand involvement. Also called: WILLIAMS DISTAL MYOPATHY. Identifiers: Orphanet 63273, MedGen C3279722, MONDO:0013550, OMIM 614065.
Hypertrophic cardiomyopathy 26. Also called: Cardiomyopathy, familial hypertrophic, 26. Identifiers: Orphanet 75249, MedGen C4310749, MONDO:0014883, OMIM 617047.

Allele frequency attached by ClinVar (database versions not stated): TOPMed below 0.00001.

Submission:

Labcorp Genetics (formerly Invitae), Labcorp
Classification: Uncertain significance for Distal myopathy with posterior leg and anterior hand involvement; Myofibrillar myopathy 5; Hypertrophic cardiomyopathy 26. Last evaluated: 2025-06-14. Review status: criteria provided, single submitter. Criteria: Invitae Variant Classification Sherloc (09022015). Collection method: clinical testing. Allele origin: germline.
Comment: This sequence change falls in intron 47 of the FLNC gene. It does not directly change the encoded amino acid sequence of the FLNC protein. It affects a nucleotide within the consensus splice site. This variant is not present in population databases (gnomAD no frequency). This variant has not been reported in the literature in individuals affected with FLNC-related conditions. ClinVar contains an entry for this variant (Variation ID: 1971602). Variants that disrupt the consensus splice site are a relatively common cause of aberrant splicing (PMID: 17576681, 9536098). Algorithms developed to predict the effect of sequence changes on RNA splicing suggest that this variant is not likely to affect RNA splicing. In summary, the available evidence is currently insufficient to determine the role of this variant in disease. Therefore, it has been classified as a Variant of Uncertain Significance.

Literature cited by the submitters: PubMed 17576681; PubMed 9536098.

NM_001458.5(FLNC):c.7991-3C>T

Genes: FLNC (filamin C; plus strand), FLNC-AS1 (FLNC antisense RNA 1; minus strand). Cytogenetic location: 7q32.1.
Variant type: single nucleotide variant.
Coding change: c.7991-3C>T on transcript NM_001458.5 (MANE Select); 3 bases into the intron before coding-DNA position 7991, C replaced by T.
Molecular consequence: intron variant.
Genome position (GRCh38, 1-based): chr7:128,858,333, C>T. VCF-style: chr7-128858333-C-T. GRCh37 (hg19) VCF-style: chr7-128498387-C-T.
Other names: c.7892-3C>T (NM_001127487.2).
Identifiers: ClinVar variation 1971602 (VCV001971602.5), dbSNP rs1809157851, ClinGen allele CA1742552056.